The following is an entry in ClinVar:

ClinVar aggregate classification (germline): Uncertain significance (1 of 4 stars; one submission).

Allele frequency attached by ClinVar (database versions not stated): gnomAD exomes below 0.00001; gnomAD 0.00001.
gnomAD v4.1: 3 of 1,614,024 alleles (0.00019%); highest among the groups gnomAD compares: African/African-American, 0.0013%; no homozygotes.

Submission:

GeneDx
Classification: Uncertain significance. Last evaluated: 2017-06-01. Review status: criteria provided, single submitter. Criteria: GeneDx Variant Classification (06012015). Collection method: clinical testing. Allele origin: germline. Affected: yes.
Comment: The N607S variant in the GBA2 gene has not been reported previously as a pathogenic variant, nor as a benign variant, to our knowledge. The N607S variant is not observed in large population cohorts (Lek et al., 2016; 1000 Genomes Consortium et al., 2015; Exome Variant Server). The N607S variant is a conservative amino acid substitution, which occurs at a position that is conserved across species. In silico analysis predicts this variant is probably damaging to the protein structure/function. We interpret N607S as a variant of uncertain significance.

NM_020944.3(GBA2):c.1820A>G (p.Asn607Ser)

Gene: GBA2 (glucosylceramidase beta 2; minus strand). Cytogenetic location: 9p13.3.
Variant type: single nucleotide variant.
Coding change: c.1820A>G on transcript NM_020944.3 (MANE Select); coding-DNA position 1820, A replaced by G.
Protein change: p.Asn607Ser; replaces asparagine 607 with serine.
Molecular consequence: missense variant.
Genome position (GRCh38, 1-based): chr9:35,738,879, T>C on the plus strand (A>G on the coding strand, the complement: GBA2 is on the minus strand). VCF-style: chr9-35738879-T-C. GRCh37 (hg19) VCF-style: chr9-35738876-T-C.
Other names: c.1820A>G, p.Asn607Ser (NM_001330660.2); short protein forms N607S.
Identifiers: ClinVar variation 432378 (VCV000432378.2), dbSNP rs1554666059, ClinGen allele CA373410337.